The following is an entry in ClinVar:

ClinVar aggregate classification (germline): Benign. Review status: criteria provided, multiple submitters, no conflicts (2 of 4 stars). 3 submissions from 3 submitters: Benign (3). Last evaluated 2026-09-01.

Allele frequency attached by ClinVar (database versions not stated): 1000 Genomes Project 0.00679; 1000 Genomes Project 30x 0.00703; gnomAD 0.00721 and 0.00797; TOPMed 0.00760; ESP Exome Variant Server 0.00792; gnomAD exomes 0.01029 and 0.01160; ExAC 0.01172.
gnomAD v4.1: 16,378 of 1,613,908 alleles (1%); highest among the groups gnomAD compares: Middle Eastern, 5%; 159 homozygotes.

Submissions (3):

CeGaT Center for Human Genetics Tuebingen
Classification: Benign. Last evaluated: 2026-09-01. Review status: criteria provided, single submitter. Criteria: CeGaT Center For Human Genetics Tuebingen Variant Classification Criteria Version 2. Collection method: clinical testing. Allele origin: germline. Affected: yes. Observed: 58 variant alleles.
Comment: PLK4: BP4, BS1, BS2

Labcorp Genetics (formerly Invitae), Labcorp
Classification: Benign. Last evaluated: 2026-01-27. Review status: criteria provided, single submitter. Criteria: Invitae Variant Classification Sherloc (09022015). Collection method: clinical testing. Allele origin: germline.

Breakthrough Genomics
Classification: Benign. Review status: criteria provided, single submitter. Criteria: ACMG Guidelines, 2015. Collection method: not provided. Allele origin: germline. Inheritance: Autosomal recessive inheritance. Affected: yes.

NM_014264.5(PLK4):c.1556G>C (p.Trp519Ser)

Gene: PLK4 (polo like kinase 4; plus strand). Cytogenetic location: 4q28.1.
Variant type: single nucleotide variant.
Coding change: c.1556G>C on transcript NM_014264.5 (MANE Select); coding-DNA position 1556, G replaced by C.
Protein change: p.Trp519Ser; replaces tryptophan 519 with serine.
Molecular consequence: missense variant.
Genome position (GRCh38, 1-based): chr4:127,889,962, G>C. VCF-style: chr4-127889962-G-C. GRCh37 (hg19) VCF-style: chr4-128811117-G-C.
Other names: c.1460G>C, p.Trp487Ser (NM_001190799.2); c.1433G>C, p.Trp478Ser (NM_001190801.2); short protein forms W478S, W487S, W519S.
Identifiers: ClinVar variation 1164304 (VCV001164304.37), dbSNP rs56043017, ClinGen allele CA3076805.